The following is an entry in ClinVar:

ClinVar aggregate classification (germline): Uncertain significance (1 of 4 stars; one submission).

Conditions:
Charcot-Marie-Tooth disease type 2. Also called: Charcot-Marie-Tooth type 2. Identifiers: Orphanet 64746, MedGen C0270914, MONDO:0018993.

Allele frequency attached by ClinVar (database versions not stated): gnomAD exomes below 0.00001; TOPMed below 0.00001; gnomAD 0.00001.
gnomAD v4.1: 5 of 1,611,010 alleles (0.00031%); highest among the groups gnomAD compares: Non-Finnish European, 0.00042%; no homozygotes.

Submission:

Labcorp Genetics (formerly Invitae), Labcorp
Classification: Uncertain significance for Charcot-Marie-Tooth disease type 2. Last evaluated: 2020-05-20. Review status: criteria provided, single submitter. Criteria: Invitae Variant Classification Sherloc (09022015). Collection method: clinical testing. Allele origin: germline.
Comment: In summary, the available evidence is currently insufficient to determine the role of this variant in disease. Therefore, it has been classified as a Variant of Uncertain Significance. Algorithms developed to predict the effect of missense changes on protein structure and function are either unavailable or do not agree on the potential impact of this missense change (SIFT: "Deleterious"; PolyPhen-2: "Possibly Damaging"; Align-GVGD: "Class C15"). This variant has not been reported in the literature in individuals with MED25-related conditions. This variant is not present in population databases (ExAC no frequency). This sequence change replaces glutamic acid with glycine at codon 481 of the MED25 protein (p.Glu481Gly). The glutamic acid residue is highly conserved and there is a moderate physicochemical difference between glutamic acid and glycine.

NM_030973.4(MED25):c.1442A>G (p.Glu481Gly)

Gene: MED25 (mediator complex subunit 25; plus strand). Cytogenetic location: 19q13.33.
Variant type: single nucleotide variant.
Coding change: c.1442A>G on transcript NM_030973.4 (MANE Select); coding-DNA position 1442, A replaced by G.
Protein change: p.Glu481Gly; replaces glutamic acid 481 with glycine.
Molecular consequence: missense variant.
Genome position (GRCh38, 1-based): chr19:49,832,375, A>G. VCF-style: chr19-49832375-A-G. GRCh37 (hg19) VCF-style: chr19-50335632-A-G.
Other names: c.1442A>G, p.Glu481Gly (NM_001378355.1); short protein forms E481G.
Identifiers: ClinVar variation 1016286 (VCV001016286.8), dbSNP rs2074064696, ClinGen allele CA406917599.